The following is an entry in ClinVar:

ClinVar aggregate classification (germline): Uncertain significance. Review status: criteria provided, multiple submitters, no conflicts (2 of 4 stars). 2 submissions from 2 submitters: Uncertain significance (2). Last evaluated 2025-01-30.

Conditions:
Hereditary cancer-predisposing syndrome. Also called: Neoplastic Syndromes, Hereditary; Tumor predisposition; Hereditary Cancer Syndrome; Hereditary neoplastic syndrome. Identifiers: Orphanet 140162, MedGen C0027672, MeSH D009386, MONDO:0015356.

Submissions (2):

Ambry Genetics
Classification: Uncertain significance for Hereditary cancer-predisposing syndrome. Last evaluated: 2025-01-30. Review status: criteria provided, single submitter. Criteria: Ambry Variant Classification Scheme 2023. Collection method: clinical testing. Allele origin: germline.
Comment: The p.S834Y variant (also known as c.2501C>A), located in coding exon 15 of the APC gene, results from a C to A substitution at nucleotide position 2501. The serine at codon 834 is replaced by tyrosine, an amino acid with dissimilar properties. Missense alterations in APC are not a common cause of disease (Spier I et al. Genet Med. 2024 Feb;26(2):100992). This amino acid position is highly conserved in available vertebrate species. In addition, in silico predictors for this gene do not accurately predict pathogenicity. Since supporting evidence is limited at this time, the clinical significance of this alteration remains unclear.

Color Diagnostics, LLC DBA Color Health
Classification: Uncertain significance for Hereditary cancer-predisposing syndrome. Last evaluated: 2024-03-06. Review status: criteria provided, single submitter. Criteria: ACMG Guidelines, 2015. Collection method: clinical testing. Allele origin: germline.
Comment: This missense variant replaces serine with tyrosine at codon 834 in the APC protein. Computational prediction suggests that this variant may not impact protein structure and function (internally defined REVEL score threshold <= 0.5, PMID: 27666373). To our knowledge, functional studies have not been reported for this variant. This variant has not been reported in individuals affected with APC-related disorders in the literature. This variant has not been identified in the general population by the Genome Aggregation Database (gnomAD). The available evidence is insufficient to determine the role of this variant in disease conclusively. Therefore, this variant is classified as a Variant of Uncertain Significance.

NM_000038.6(APC):c.2501C>A (p.Ser834Tyr)

Gene: APC (APC regulator of Wnt signaling pathway; plus strand). Cytogenetic location: 5q22.2.
Variant type: single nucleotide variant.
Coding change: c.2501C>A on transcript NM_000038.6 (MANE Select); coding-DNA position 2501, C replaced by A.
Protein change: p.Ser834Tyr; replaces serine 834 with tyrosine.
Molecular consequence: missense variant.
Genome position (GRCh38, 1-based): chr5:112,838,095, C>A. VCF-style: chr5-112838095-C-A. GRCh37 (hg19) VCF-style: chr5-112173792-C-A.
Other names: c.2501C>A, p.Ser834Tyr (NM_001127510.3, NM_001354895.2); c.2447C>A, p.Ser816Tyr (NM_001127511.3); c.2555C>A, p.Ser852Tyr (NM_001354896.2); c.2531C>A, p.Ser844Tyr (NM_001354897.2); c.2426C>A, p.Ser809Tyr (NM_001354898.2); c.2417C>A, p.Ser806Tyr (NM_001354899.2); c.2378C>A, p.Ser793Tyr (NM_001354900.2); c.2324C>A, p.Ser775Tyr (NM_001354901.2); and 5 more; short protein forms S708Y, S834Y, S733Y, S775Y, S809Y, S844Y, S551Y, S674Y.
Identifiers: ClinVar variation 919308 (VCV000919308.7), dbSNP rs1580623138, ClinGen allele CA16026818.
Genomic context (GRCh38, chr5:112,838,095, plus strand): 5'-TTAATACTGGCAACATGACTGTCCTTTCACCATATTTGAATACTACAGTGTTACCCAGCT[C>A]CTCTTCATCAAGAGGAAGCTTAGATAGTTCTCGTTCTGAAAAAGATAGAAGTTTGGAGAG-3'
Protein context (NP_000029.2, residues 824-844): PYLNTTVLPS[Ser834Tyr]SSSRGSLDSS